The following is an entry in ClinVar:

ClinVar aggregate classification (germline): Likely benign (1 of 4 stars; one submission).

Conditions:
Retinitis pigmentosa (RP). Identifiers: Orphanet 791, MedGen C0035334, MeSH D012174, MONDO:0019200, OMIM 268000. Inheritance: Autosomal dominant, autosomal recessive and X linked inheritance.

Allele frequency attached by ClinVar (database versions not stated): TOPMed 0.00726; 1000 Genomes Project 0.00799; gnomAD 0.00837 and 0.00852; 1000 Genomes Project 30x 0.00874.

Submission:

Illumina Laboratory Services, Illumina
Classification: Likely benign for Retinitis pigmentosa. Last evaluated: 2018-01-12. Review status: criteria provided, single submitter. Criteria: ICSL Variant Classification Criteria 13 December 2019. Collection method: clinical testing. Allele origin: germline.
Comment: This variant was observed in the ICSL laboratory as part of a predisposition screen in an ostensibly healthy population. It had not been previously curated by ICSL or reported in the Human Gene Mutation Database (HGMD: prior to June 1st, 2018), and was therefore a candidate for classification through an automated scoring system. Utilizing variant allele frequency, disease prevalence and penetrance estimates, and inheritance mode, an automated score was calculated to assess if this variant is too frequent to cause the disease. Based on the score and internal cut-off values, a variant classified as likely benign is not then subjected to further curation. The score for this variant resulted in a classification of likely benign for this disease.

NM_004744.5(LRAT):c.*2529C>T

Gene: LRAT (lecithin retinol acyltransferase; plus strand). Cytogenetic location: 4q32.1.
Variant type: single nucleotide variant.
Coding change: c.*2529C>T on transcript NM_004744.5 (MANE Select); 2529 bases downstream of the stop codon, C replaced by T.
Molecular consequence: 3 prime UTR variant.
Genome position (GRCh38, 1-based): chr4:154,751,665, C>T. VCF-style: chr4-154751665-C-T. GRCh37 (hg19) VCF-style: chr4-155672817-C-T.
Other names: c.*2529C>T (NM_001301645.2).
Identifiers: ClinVar variation 347877 (VCV000347877.6), dbSNP rs185391295, ClinGen allele CA10617259.